The following is an entry in ClinVar:

NM_001354761.2(ADD1):c.1880C>T (p.Thr627Ile)

Gene: ADD1 (adducin 1; plus strand). Cytogenetic location: 4p16.3.
Variant type: single nucleotide variant.
Coding change: c.1880C>T on transcript NM_001354761.2 (MANE Select); coding-DNA position 1880, C replaced by T.
Protein change: p.Thr627Ile; replaces threonine 627 with isoleucine.
Molecular consequence: missense variant.
Genome position (GRCh38, 1-based): chr4:2,914,972, C>T. VCF-style: chr4-2914972-C-T. GRCh37 (hg19) VCF-style: chr4-2916699-C-T.
Other names: c.1694C>T, p.Thr565Ile (NM_001119.5, NM_001354754.2, NM_001354755.2 and 3 more transcripts); c.1787C>T, p.Thr596Ile (NM_001286645.2, NM_001354756.2, NM_001354759.2 and 2 more transcripts); c.1880C>T, p.Thr627Ile (NM_001354762.2); short protein forms T565I, T596I, T627I.
Identifiers: ClinVar variation 4886661 (VCV004886661.2).
Genomic context (GRCh38, chr4:2,914,972, plus strand): 5'-TCATTGAAAAGGAGTACCAGCCCCACGTCATTGTGAGCACCACGGGCCCCAACCCCTTCA[C>T]CACACTCACAGACCGTGAGCTGGAGGAGTACCGCAGGGAGGTGGAGAGGAAGCAGAAGGG-3'
Protein context (NP_001341690.1, residues 617-637): IVSTTGPNPF[Thr627Ile]TLTDRELEEY

ClinVar aggregate classification (germline): Uncertain significance (1 of 4 stars; one submission).

Submission:

Dasa
Classification: Uncertain significance. Last evaluated: 2025-07-14. Review status: criteria provided, single submitter. Criteria: DASA Assertion Criteria. Collection method: clinical testing. Allele origin: germline.
Comment: NM_001354761.2(ADD1):c.1880C>T (p.Thr627Ile) is a missense variant that results in the substitution of threonine with isoleucine. This variant is rare in population databases. Computational prediction algorithms are consistent with a benign effect. The currently available literature and clinical evidence are not sufficient to establish a definitive association between this variant and the reported condition. Therefore, this variant is classified as a variant of uncertain significance.